The following is an entry in ClinVar:

NM_012431.3(SEMA3E):c.603_604delinsTG (p.Ile202Val)

Gene: SEMA3E (semaphorin 3E; minus strand). Cytogenetic location: 7q21.11.
Variant type: Indel.
Coding change: c.603_604delinsTG on transcript NM_012431.3 (MANE Select); coding-DNA positions 603 to 604, GA replaced by TG.
Protein change: p.Ile202Val; replaces isoleucine 202 with valine.
Molecular consequence: missense variant.
Genome position (GRCh38, 1-based): chr7:83,408,434-83,408,435, TC replaced by CA on the plus strand (GA replaced by TG on the coding strand, the reverse complement: SEMA3E is on the minus strand). VCF-style: chr7-83408434-TC-CA. GRCh37 (hg19) VCF-style: chr7-83037750-TC-CA.
Other names: c.423_424delinsTG, p.Ile142Val (NM_001178129.2); short protein forms I142V, I202V.
Identifiers: ClinVar variation 1523395 (VCV001523395.6), dbSNP rs2115654865, ClinGen allele CA2573142387.

ClinVar aggregate classification (germline): Uncertain significance (1 of 4 stars; one submission).

Conditions:
CHARGE syndrome (CHARGE). Also called: Coloboma, heart anomaly, choanal atresia, retardation, genital and ear anomalies; CHARGE association; Hall-Hittner syndrome; Hittner Hirsch Kreh syndrome; CHARGE ASSOCIATION--COLOBOMA, HEART ANOMALY, CHOANAL ATRESIA, RETARDATION, GENITAL AND EAR ANOMALIES. Identifiers: Orphanet 138, MedGen C0265354, MONDO:0008965.

Submission:

Labcorp Genetics (formerly Invitae), Labcorp
Classification: Uncertain significance for CHARGE syndrome. Last evaluated: 2025-09-22. Review status: criteria provided, single submitter. Criteria: Invitae Variant Classification Sherloc (09022015). Collection method: clinical testing. Allele origin: germline.
Comment: This sequence change replaces isoleucine, which is neutral and non-polar, with valine, which is neutral and non-polar, at codon 202 of the SEMA3E protein (p.Ile202Val). Information on the frequency of this variant in the gnomAD database is not available, as this variant may be reported differently in the database. This variant has not been reported in the literature in individuals affected with SEMA3E-related conditions. ClinVar contains an entry for this variant (Variation ID: 1523395). Experimental studies and prediction algorithms are not available or were not evaluated, and the functional significance of this variant is currently unknown. In summary, the available evidence is currently insufficient to determine the role of this variant in disease. Therefore, it has been classified as a Variant of Uncertain Significance.